The following is an entry in ClinVar:

NM_001367479.1(DNAH14):c.3330G>T (p.Met1110Ile)

Gene: DNAH14 (dynein axonemal heavy chain 14; plus strand). Cytogenetic location: 1q42.12.
Variant type: single nucleotide variant.
Coding change: c.3330G>T on transcript NM_001367479.1 (MANE Select); coding-DNA position 3330, G replaced by T.
Protein change: p.Met1110Ile; replaces methionine 1110 with isoleucine.
Molecular consequence: missense variant.
Genome position (GRCh38, 1-based): chr1:225,085,546, G>T. VCF-style: chr1-225085546-G-T. GRCh37 (hg19) VCF-style: chr1-225273248-G-T.
Other names: short protein forms M1110I.
Identifiers: ClinVar variation 402650 (VCV000402650.6), dbSNP rs3128658, ClinGen allele CA1415879.
Genomic context (GRCh38, chr1:225,085,546, plus strand): 5'-GGACATATCAGGAATTATTTGCTATACTGGATACTAAAGAATACTTTGTTCATTTTAGAT[G>T]TTTCAGTATGAAAATGAAATAAATGATATGTCAACCTCAGCAACTAATGAAGCTGCTCTT-3'
Protein context (NP_001354408.1, residues 1100-1120): CKVENLLALK[Met1110Ile]FQYENEINDM

ClinVar aggregate classification (germline): Benign. Review status: criteria provided, multiple submitters, no conflicts (2 of 4 stars). 2 submissions from 2 submitters: Benign (2). Last evaluated 2016-03-28.

Allele frequency attached by ClinVar (database versions not stated): gnomAD 0.79258 and 0.79599; ExAC 0.86657; 1000 Genomes Project 0.70208; ESP Exome Variant Server 0.82513; 1000 Genomes Project 30x 0.69644; TOPMed 0.76873; gnomAD exomes 0.93195 and 0.86909.

Submissions (3):

Laboratory for Molecular Medicine, Mass General Brigham Personalized Medicine
Classification: Benign. Last evaluated: 2016-03-28. Review status: criteria provided, single submitter. Criteria: LMM Criteria. Collection method: clinical testing. Allele origin: germline.
Comment: Variant identified in a genome or exome case(s) and assessed due to predicted null impact of the variant or pathogenic assertions in the literature or databases. Disclaimer: This variant has not undergone full assessment. The following are preliminary notes: Frequency

Breakthrough Genomics
Classification: Benign. Review status: criteria provided, single submitter. Criteria: ACMG Guidelines, 2015. Collection method: not provided. Allele origin: germline. Inheritance: Unknown mechanism. Affected: yes.

Dr. Peter K. Rogan Lab, Western University
No classification provided (evidence only). Condition: Lung cancer. Review status: no classification provided. Collection method: in vitro. Allele origin: not applicable. Functional consequence: retained intron. Not counted in ClinVar's aggregate classification.